The following is an entry in ClinVar:

NM_001271938.2(MEGF8):c.2547C>G (p.Thr849=)

Gene: MEGF8 (multiple EGF like domains 8; plus strand). Cytogenetic location: 19q13.2.
Variant type: single nucleotide variant.
Coding change: c.2547C>G on transcript NM_001271938.2 (MANE Select); coding-DNA position 2547, C replaced by G.
Protein change: p.Thr849=; no amino-acid change (threonine 849 retained).
Molecular consequence: synonymous variant.
Genome position (GRCh38, 1-based): chr19:42,350,195, C>G. VCF-style: chr19-42350195-C-G. GRCh37 (hg19) VCF-style: chr19-42854347-C-G.
Other names: c.2346C>G, p.Thr782= (NM_001410.3).
Identifiers: ClinVar variation 2650029 (VCV002650029.24), dbSNP rs2514289287, ClinGen allele CA507707285.

ClinVar aggregate classification (germline): Likely benign (1 of 4 stars; one submission).

Submission:

CeGaT Center for Human Genetics Tuebingen
Classification: Likely benign. Last evaluated: 2022-12-01. Review status: criteria provided, single submitter. Criteria: CeGaT Center For Human Genetics Tuebingen Variant Classification Criteria Version 2. Collection method: clinical testing. Allele origin: germline. Affected: yes. Observed: 1 variant allele.
Comment: MEGF8: PM2:Supporting, BP4, BP7